The following is an entry in ClinVar:

NM_005518.4(HMGCS2):c.158A>G (p.Asp53Gly)

Gene: HMGCS2 (3-hydroxy-3-methylglutaryl-CoA synthase 2; minus strand). Cytogenetic location: 1p12.
Variant type: single nucleotide variant.
Coding change: c.158A>G on transcript NM_005518.4 (MANE Select); coding-DNA position 158, A replaced by G.
Protein change: p.Asp53Gly; replaces aspartic acid 53 with glycine.
Molecular consequence: missense variant.
Genome position (GRCh38, 1-based): chr1:119,764,573, T>C on the plus strand (A>G on the coding strand, the complement: HMGCS2 is on the minus strand). VCF-style: chr1-119764573-T-C. GRCh37 (hg19) VCF-style: chr1-120307196-T-C.
Other names: c.158A>G, p.Asp53Gly (NM_001166107.1); short protein forms D53G.
Identifiers: ClinVar variation 2198675 (VCV002198675.4), dbSNP rs2464283650, ClinGen allele CA341867109.
Genomic context (GRCh38, chr1:119,764,573, plus strand): 5'-AGGTCAGTTTGGTCCACATATTGGGCTGGGAAGTAGACCTCCAGGGCCAGGATGCCCACG[T>C]CCTTTGGCCAAGTATCTGTTTTGGCCAGGGGGACAGCAGAGGCTGTAGAAAACCTGTGAT-3'
Protein context (NP_005509.1, residues 43-63): PLAKTDTWPK[Asp53Gly]VGILALEVYF

ClinVar aggregate classification (germline): Uncertain significance (1 of 4 stars; one submission).

Conditions:
3-hydroxy-3-methylglutaryl-CoA synthase deficiency (HMGCS2D). Also called: HMG-CoA synthase-2 deficiency; HMGCS2 DEFICIENCY; MITOCHONDRIAL HMG-CoA SYNTHASE DEFICIENCY. Identifiers: Orphanet 35701, MedGen C2751532, MONDO:0011614, OMIM 605911.

Allele frequency attached by ClinVar (database versions not stated): gnomAD exomes below 0.00001.
gnomAD v4.1: 1 of 1,614,212 alleles (0.000062%); highest among the groups gnomAD compares: Admixed American, 0.0017%; no homozygotes.

Submission:

Labcorp Genetics (formerly Invitae), Labcorp
Classification: Uncertain significance for 3-hydroxy-3-methylglutaryl-CoA synthase deficiency. Last evaluated: 2022-01-03. Review status: criteria provided, single submitter. Criteria: Invitae Variant Classification Sherloc (09022015). Collection method: clinical testing. Allele origin: germline.
Comment: This variant has not been reported in the literature in individuals affected with HMGCS2-related conditions. This sequence change replaces aspartic acid, which is acidic and polar, with glycine, which is neutral and non-polar, at codon 53 of the HMGCS2 protein (p.Asp53Gly). This variant is not present in population databases (gnomAD no frequency). Algorithms developed to predict the effect of missense changes on protein structure and function are either unavailable or do not agree on the potential impact of this missense change (SIFT: "Tolerated"; PolyPhen-2: "Possibly Damaging"; Align-GVGD: "Class C35"). In summary, the available evidence is currently insufficient to determine the role of this variant in disease. Therefore, it has been classified as a Variant of Uncertain Significance.